The following is an entry in ClinVar:

NM_000218.3(KCNQ1):c.1514+3851A>G

Genes: KCNQ1 (potassium voltage-gated channel subfamily Q member 1; plus strand), KCNQ1OT1 (KCNQ1 opposite strand/antisense transcript 1; minus strand). Cytogenetic location: 11p15.5.
Variant type: single nucleotide variant.
Coding change: c.1514+3851A>G on transcript NM_000218.3 (MANE Select); 3851 bases into the intron after coding-DNA position 1514, A replaced by G.
Molecular consequence: intron variant. On other transcripts: non-coding transcript variant (1).
Genome position (GRCh38, 1-based): chr11:2,665,932, A>G. VCF-style: chr11-2665932-A-G. GRCh37 (hg19) VCF-style: chr11-2687162-A-G.
Other names: c.1244+3851A>G (NM_001406837.1); c.1418+3851A>G (NM_001406836.1); c.974+3851A>G (NM_001406838.1); c.1133+3851A>G (NM_181798.2).
Identifiers: ClinVar variation 3042766 (VCV003042766.2), dbSNP rs985530330, ClinGen allele CA216174424.
Genomic context (GRCh38, chr11:2,665,932, plus strand): 5'-TGGGGGCTGTGTGCAGGTGTGGCCTGGGTGAGCTTCTCCAAGCAACCCTGGGAGGCTGAA[A>G]TCATTTTTGTGAAATCCTCCCTCACACTGCATCCCCAACTGCCAAGCCAGCCAGGACTGG-3'

ClinVar aggregate classification (germline): Likely benign (0 of 4 stars; one submission).

Conditions:
KCNQ1-related disorder. Also called: KCNQ1-related condition; KCNQ1-related disorders. Identifiers: MedGen CN239322.

Allele frequency attached by ClinVar (database versions not stated): gnomAD exomes 0.00004; gnomAD 0.00005; TOPMed 0.00032.
gnomAD v4.1: 17 of 398,350 alleles (0.0043%); highest among the groups gnomAD compares: Admixed American, 0.062%; no homozygotes.

Submission:

PreventionGenetics, part of Exact Sciences
Classification: Likely benign for KCNQ1-related condition. Last evaluated: 2019-07-01. Review status: no assertion criteria provided. Collection method: clinical testing. Allele origin: germline.
Comment: This variant is classified as likely benign based on ACMG/AMP sequence variant interpretation guidelines (Richards et al. 2015 PMID: 25741868, with internal and published modifications).